The following is an entry in ClinVar:

ClinVar aggregate classification (germline): Uncertain significance (1 of 4 stars; one submission).

Conditions:
Inborn genetic diseases. Identifiers: MedGen C0950123, MeSH D030342.

Submission:

Ambry Genetics
Classification: Uncertain significance for Inborn genetic diseases. Last evaluated: 2022-01-12. Review status: criteria provided, single submitter. Criteria: Ambry Variant Classification Scheme 2023. Collection method: clinical testing. Allele origin: germline.
Comment: The p.D1187V variant (also known as c.3560A>T), located in coding exon 18 of the ATR gene, results from an A to T substitution at nucleotide position 3560. The aspartic acid at codon 1187 is replaced by valine, an amino acid with highly dissimilar properties. This amino acid position is conserved. In addition, the in silico prediction for this alteration is inconclusive. Since supporting evidence is limited at this time, the clinical significance of this alteration remains unclear.

NM_001184.4(ATR):c.3560A>T (p.Asp1187Val)

Gene: ATR (ATR checkpoint kinase; minus strand). Cytogenetic location: 3q23.
Variant type: single nucleotide variant.
Coding change: c.3560A>T on transcript NM_001184.4 (MANE Select); coding-DNA position 3560, A replaced by T.
Protein change: p.Asp1187Val; replaces aspartic acid 1187 with valine.
Molecular consequence: missense variant.
Genome position (GRCh38, 1-based): chr3:142,540,925, T>A on the plus strand (A>T on the coding strand, the complement: ATR is on the minus strand). VCF-style: chr3-142540925-T-A. GRCh37 (hg19) VCF-style: chr3-142259767-T-A.
Other names: c.3368A>T, p.Asp1123Val (NM_001354579.2); short protein forms D1187V, D1123V.
Identifiers: ClinVar variation 1732701 (VCV001732701.2), dbSNP rs762440684, ClinGen allele CA354807738.